The following is an entry in ClinVar:

NM_002890.3(RASA1):c.370C>T (p.Leu124Phe)

Gene: RASA1 (RAS p21 protein activator 1; plus strand). Cytogenetic location: 5q14.3.
Variant type: single nucleotide variant.
Coding change: c.370C>T on transcript NM_002890.3 (MANE Select); coding-DNA position 370, C replaced by T.
Protein change: p.Leu124Phe; replaces leucine 124 with phenylalanine.
Molecular consequence: missense variant.
Genome position (GRCh38, 1-based): chr5:87,268,821, C>T. VCF-style: chr5-87268821-C-T. GRCh37 (hg19) VCF-style: chr5-86564638-C-T.
Other names: short protein forms L124F.
Identifiers: ClinVar variation 652668 (VCV000652668.13), dbSNP rs200883284, ClinGen allele CA3335416.

ClinVar aggregate classification (germline): Uncertain significance. Review status: criteria provided, multiple submitters, no conflicts (2 of 4 stars). 2 submissions from 2 submitters: Uncertain significance (2). Last evaluated 2026-01-21.

Conditions:
Cardiovascular phenotype. Identifiers: MedGen CN230736.
Capillary malformation-arteriovenous malformation syndrome. Also called: Capillary malformation-arteriovenous malformation. Identifiers: Orphanet 137667, MedGen C1842180, MONDO:0012016.

Allele frequency attached by ClinVar (database versions not stated): gnomAD 0.00003 and 0.00004; TOPMed 0.00004; gnomAD exomes 0.00005 and 0.00006; ExAC 0.00007; ESP Exome Variant Server 0.00008.
gnomAD v4.1: 71 of 1,613,994 alleles (0.0044%); highest among the groups gnomAD compares: Non-Finnish European, 0.0058%; no homozygotes.

Submissions (2):

Labcorp Genetics (formerly Invitae), Labcorp
Classification: Uncertain significance for Capillary malformation-arteriovenous malformation syndrome. Last evaluated: 2026-01-21. Review status: criteria provided, single submitter. Criteria: Invitae Variant Classification Sherloc (09022015). Collection method: clinical testing. Allele origin: germline.
Comment: This sequence change replaces leucine, which is neutral and non-polar, with phenylalanine, which is neutral and non-polar, at codon 124 of the RASA1 protein (p.Leu124Phe). This variant is present in population databases (rs200883284, gnomAD 0.01%). This variant has not been reported in the literature in individuals affected with RASA1-related conditions. ClinVar contains an entry for this variant (Variation ID: 652668). An algorithm developed to predict the effect of missense changes on protein structure and function (PolyPhen-2) suggests that this variant is likely to be tolerated. In summary, the available evidence is currently insufficient to determine the role of this variant in disease. Therefore, it has been classified as a Variant of Uncertain Significance.

Ambry Genetics
Classification: Uncertain significance for Cardiovascular phenotype. Last evaluated: 2021-06-23. Review status: criteria provided, single submitter. Criteria: Ambry Variant Classification Scheme 2023. Collection method: clinical testing. Allele origin: germline.
Comment: The p.L124F variant (also known as c.370C>T), located in coding exon 1 of the RASA1 gene, results from a C to T substitution at nucleotide position 370. The leucine at codon 124 is replaced by phenylalanine, an amino acid with highly similar properties. This amino acid position is conserved. In addition, this alteration is predicted to be tolerated by in silico analysis. Since supporting evidence is limited at this time, the clinical significance of this alteration remains unclear.